The following is an entry in ClinVar:

ClinVar aggregate classification (germline): Uncertain significance. Review status: criteria provided, multiple submitters, no conflicts (2 of 4 stars). 2 submissions from 2 submitters: Uncertain significance (2). Last evaluated 2025-02-27.

Conditions:
Hereditary cancer-predisposing syndrome. Also called: Hereditary neoplastic syndrome; Neoplastic Syndromes, Hereditary; Tumor predisposition; Hereditary Cancer Syndrome. Identifiers: Orphanet 140162, MedGen C0027672, MeSH D009386, MONDO:0015356.
Cardiovascular phenotype. Identifiers: MedGen CN230736.

gnomAD v4.1: 2 of 1,613,606 alleles (0.00012%); highest among the groups gnomAD compares: Admixed American, 0.0017%; no homozygotes.

Submissions (2):

Ambry Genetics
Classification: Uncertain significance for Cardiovascular phenotype; Hereditary cancer-predisposing syndrome. Last evaluated: 2025-02-27. Review status: criteria provided, single submitter. Criteria: Ambry Variant Classification Scheme 2023. Collection method: clinical testing. Allele origin: germline.
Comment: The p.R697L variant (also known as c.2090G>T), located in coding exon 18 of the LZTR1 gene, results from a G to T substitution at nucleotide position 2090. The arginine at codon 697 is replaced by leucine, an amino acid with dissimilar properties. This amino acid position is highly conserved in available vertebrate species. In addition, this alteration is predicted to be deleterious by in silico analysis. Based on the available evidence, the clinical significance of this variant remains unclear.

Labcorp Genetics (formerly Invitae), Labcorp
Classification: Uncertain significance. Last evaluated: 2025-02-25. Review status: criteria provided, single submitter. Criteria: Invitae Variant Classification Sherloc (09022015). Collection method: clinical testing. Allele origin: germline.
Comment: This sequence change replaces arginine, which is basic and polar, with leucine, which is neutral and non-polar, at codon 697 of the LZTR1 protein (p.Arg697Leu). This variant is present in population databases (rs370638947, gnomAD 0.003%). This variant has not been reported in the literature in individuals affected with LZTR1-related conditions. Invitae Evidence Modeling of protein sequence and biophysical properties (such as structural, functional, and spatial information, amino acid conservation, physicochemical variation, residue mobility, and thermodynamic stability) indicates that this missense variant is not expected to disrupt LZTR1 protein function with a negative predictive value of 80%. This variant disrupts the p.Arg697 amino acid residue in LZTR1. Other variant(s) that disrupt this residue have been determined to be pathogenic (PMID: 28191889, 29469822, 35258168; internal data). This suggests that this residue is clinically significant, and that variants that disrupt this residue are likely to be disease-causing. In summary, the available evidence is currently insufficient to determine the role of this variant in disease. Therefore, it has been classified as a Variant of Uncertain Significance.

Literature cited by the submitters: PubMed 28191889 (cited by Labcorp Genetics (formerly Invitae), Labcorp); PubMed 29469822 (cited by Labcorp Genetics (formerly Invitae), Labcorp); PubMed 35258168 (cited by Labcorp Genetics (formerly Invitae), Labcorp).

NM_006767.4(LZTR1):c.2090G>T (p.Arg697Leu)

Gene: LZTR1 (leucine zipper like post translational regulator 1; plus strand). Cytogenetic location: 22q11.21.
Variant type: single nucleotide variant.
Coding change: c.2090G>T on transcript NM_006767.4 (MANE Select); coding-DNA position 2090, G replaced by T.
Protein change: p.Arg697Leu; replaces arginine 697 with leucine.
Molecular consequence: missense variant.
Genome position (GRCh38, 1-based): chr22:20,995,983, G>T. VCF-style: chr22-20995983-G-T. GRCh37 (hg19) VCF-style: chr22-21350272-G-T.
Other names: short protein forms R697L.
Identifiers: ClinVar variation 3869239 (VCV003869239.2).